The following is an entry in ClinVar:

ClinVar aggregate classification (germline): Uncertain significance (0 of 4 stars; one submission).

Conditions:
RPS6KA3-related disorder. Also called: RPS6KA3-related condition.

Submission:

PreventionGenetics, part of Exact Sciences
Classification: Uncertain significance for RPS6KA3-related condition. Last evaluated: 2024-01-22. Review status: no assertion criteria provided. Collection method: clinical testing. Allele origin: germline.
Comment: The RPS6KA3 c.1510A>G variant is predicted to result in the amino acid substitution p.Lys504Glu. To our knowledge, this variant has not been reported in the literature or in a large population database, indicating this variant is rare. At this time, the clinical significance of this variant is uncertain due to the absence of conclusive functional and genetic evidence.

NM_004586.3(RPS6KA3):c.1510A>G (p.Lys504Glu)

Gene: RPS6KA3 (ribosomal protein S6 kinase A3; minus strand). Cytogenetic location: Xp22.12.
Variant type: single nucleotide variant.
Coding change: c.1510A>G on transcript NM_004586.3 (MANE Select); coding-DNA position 1510, A replaced by G.
Protein change: p.Lys504Glu; replaces lysine 504 with glutamic acid.
Molecular consequence: missense variant.
Genome position (GRCh38, 1-based): chrX:20,167,681, T>C on the plus strand (A>G on the coding strand, the complement: RPS6KA3 is on the minus strand). VCF-style: chrX-20167681-T-C. GRCh37 (hg19) VCF-style: chrX-20185799-T-C.
Other names: short protein forms K504E.
Identifiers: ClinVar variation 3349185 (VCV003349185.1).